The following is an entry in ClinVar:

ClinVar aggregate classification (germline): Uncertain significance (1 of 4 stars; one submission).

Conditions:
Hereditary cancer-predisposing syndrome. Also called: Neoplastic Syndromes, Hereditary; Tumor predisposition; Hereditary Cancer Syndrome; Hereditary neoplastic syndrome. Identifiers: Orphanet 140162, MedGen C0027672, MeSH D009386, MONDO:0015356.

Submission:

Ambry Genetics
Classification: Uncertain significance for Hereditary cancer-predisposing syndrome. Last evaluated: 2024-12-08. Review status: criteria provided, single submitter. Criteria: Ambry Variant Classification Scheme 2023. Collection method: clinical testing. Allele origin: germline.
Comment: The p.D1560A variant (also known as c.4679A>C), located in coding exon 36 of the POLE gene, results from an A to C substitution at nucleotide position 4679. The aspartic acid at codon 1560 is replaced by alanine, an amino acid with dissimilar properties. This amino acid position is conserved. In addition, the in silico prediction for this alteration is inconclusive. Based on the available evidence, the clinical significance of this variant remains unclear.

NM_006231.4(POLE):c.4679A>C (p.Asp1560Ala)

Gene: POLE (DNA polymerase epsilon, catalytic subunit; minus strand). Cytogenetic location: 12q24.33.
Variant type: single nucleotide variant.
Coding change: c.4679A>C on transcript NM_006231.4 (MANE Select); coding-DNA position 4679, A replaced by C.
Protein change: p.Asp1560Ala; replaces aspartic acid 1560 with alanine.
Molecular consequence: missense variant.
Genome position (GRCh38, 1-based): chr12:132,642,869, T>G on the plus strand (A>C on the coding strand, the complement: POLE is on the minus strand). VCF-style: chr12-132642869-T-G. GRCh37 (hg19) VCF-style: chr12-133219455-T-G.
Other names: short protein forms D1560A.
Identifiers: ClinVar variation 3422242 (VCV003422242.1).
Genomic context (GRCh38, chr12:132,642,869, plus strand): 5'-ACCACTCTCACCTTGTAGGCGAGCAGGAATCGCTGGATGGCTCTGCAGATGGTCTTCAGG[T>G]CAGTTTCTGCCCGAACTTCGAAGGTGTGTTTGGGGGGTGGCAGGAGCTCAGGGCCCACCT-3'
Protein context (NP_006222.2, residues 1550-1570): KHTFEVRAET[Asp1560Ala]LKTICRAIQR